The following is an entry in ClinVar:

NM_002294.3(LAMP2):c.418C>A (p.Leu140Ile)

Gene: LAMP2 (lysosome associated membrane protein 2; minus strand). Cytogenetic location: Xq24.
Variant type: single nucleotide variant.
Coding change: c.418C>A on transcript NM_002294.3 (MANE Select); coding-DNA position 418, C replaced by A.
Protein change: p.Leu140Ile; replaces leucine 140 with isoleucine.
Molecular consequence: missense variant.
Genome position (GRCh38, 1-based): chrX:120,449,108, G>T on the plus strand (C>A on the coding strand, the complement: LAMP2 is on the minus strand). VCF-style: chrX-120449108-G-T. GRCh37 (hg19) VCF-style: chrX-119582963-G-T.
Other names: c.418C>A, p.Leu140Ile (NM_001122606.1, NM_013995.2); short protein forms L140I.
Identifiers: ClinVar variation 4819094 (VCV004819094.1).
Genomic context (GRCh38, chrX:120,449,108, plus strand): 5'-CCAAAGTTGATAAACTATTGCATCTAAAAAGGTCATTCAATGGAATTCTGATGGCCAAAA[G>T]TTCATCAACAGTAAGAATTCCTATAAAACAAGATTAACAATGGCTATTTCCAAGAAGGTA-3'
Protein context (NP_002285.1, residues 130-150): EDKGILTVDE[Leu140Ile]LAIRIPLNDL

ClinVar aggregate classification (germline): Uncertain significance (1 of 4 stars; one submission).

Conditions:
Danon disease. Also called: ANTOPOL DISEASE; Glycogen Storage Disease Type IIb; PSEUDOGLYCOGENOSIS II; GSD IIb; LYSOSOMAL GLYCOGEN STORAGE DISEASE WITHOUT ACID MALTASE DEFICIENCY. Identifiers: Orphanet 34587, MedGen C0878677, MONDO:0010281, OMIM 300257.

Submission:

Clinical Genomics Laboratory, Stanford Medicine
Classification: Uncertain significance for Danon disease. Last evaluated: 2023-09-18. Review status: criteria provided, single submitter. Criteria: ACMG Guidelines, 2015. Collection method: clinical testing. Allele origin: germline. Observed: 1 variant allele, 1 heterozygote.
Comment: The p.Leu140Ile variant in the LAMP2 gene has not been previously reported in association with disease. This variant was absent from large population databases, including the Genome Aggregation Database. The leucine at position 140 is poorly evolutionarily conserved. Computational tools predict that the p.Leu140Ile variant does not impact protein function; however, the accuracy of in silico algorithms is limited. These data were assessed using the ACMG/AMP variant interpretation guidelines. In summary, the significance of the p.Leu140Ile variant is uncertain. Additional information is needed to resolve the significance of this variant. [ACMG evidence codes used: PM2; BP4]_x000D_